The following is an entry in ClinVar:

ClinVar aggregate classification (germline): Uncertain significance (1 of 4 stars; one submission).

Submission:

GeneDx
Classification: Uncertain significance. Last evaluated: 2024-11-07. Review status: criteria provided, single submitter. Criteria: GeneDx Variant Classification Process June 2021. Collection method: clinical testing. Allele origin: germline. Affected: yes.
Comment: Not observed at significant frequency in large population cohorts (gnomAD); In silico analysis indicates that this missense variant does not alter protein structure/function; Has not been previously published as pathogenic or benign to our knowledge

NM_130839.5(UBE3A):c.436T>G (p.Leu146Val)

Genes: SNHG14 (small nucleolar RNA host gene 14; plus strand), UBE3A (ubiquitin protein ligase E3A; minus strand). Cytogenetic location: 15q11.2.
Variant type: single nucleotide variant.
Coding change: c.436T>G on transcript NM_130839.5 (MANE Select); coding-DNA position 436, T replaced by G.
Protein change: p.Leu146Val; replaces leucine 146 with valine.
Molecular consequence: missense variant. On other transcripts: non-coding transcript variant (1), intron variant (2).
Genome position (GRCh38, 1-based): chr15:25,371,738, A>C on the plus strand (T>G on the coding strand, the complement: UBE3A is on the minus strand). VCF-style: chr15-25371738-A-C. GRCh37 (hg19) VCF-style: chr15-25616885-A-C.
Other names: c.376T>G, p.Leu126Val (NM_001354548.2, NM_001354549.2, NM_001374461.1 and 17 more transcripts); c.301+3727T>G (NM_001354551.2); c.361+3727T>G (NM_001354550.2); c.436T>G, p.Leu146Val (NM_001354538.2, NM_001354545.2, NM_001354505.1); c.259T>G, p.Leu87Val (NM_001354546.2); c.445T>G, p.Leu149Val (NM_000462.5); short protein forms L126V, L146V, L149V, L87V.
Identifiers: ClinVar variation 3898930 (VCV003898930.1).
Genomic context (GRCh38, chr15:25,371,738, plus strand): 5'-TCCGGAAGCTCTGTACCAATGCCTCAGCACTAGAAAAAACTCTTCCAATAACACGGATTA[A>C]AGGGGAATAATCCTCTCTTTCTCTACATAATTCAAGAATTTCATATACCTTCTCTTCTGT-3'
Protein context (NP_570854.1, residues 136-156): LCREREDYSP[Leu146Val]IRVIGRVFSS